The following is an entry in ClinVar:

NM_001105206.3(LAMA4):c.4651G>T (p.Gly1551Cys)

Gene: LAMA4 (laminin subunit alpha 4; minus strand). Cytogenetic location: 6q21.
Variant type: single nucleotide variant.
Coding change: c.4651G>T on transcript NM_001105206.3 (MANE Select); coding-DNA position 4651, G replaced by T.
Protein change: p.Gly1551Cys; replaces glycine 1551 with cysteine.
Molecular consequence: missense variant.
Genome position (GRCh38, 1-based): chr6:112,120,297, C>A on the plus strand (G>T on the coding strand, the complement: LAMA4 is on the minus strand). VCF-style: chr6-112120297-C-A. GRCh37 (hg19) VCF-style: chr6-112441500-C-A.
Other names: c.4630G>T, p.Gly1544Cys (NM_001105207.3, NM_002290.5); short protein forms G1551C, G1544C.
Identifiers: ClinVar variation 2767572 (VCV002767572.3), dbSNP rs2546976741, ClinGen allele CA365369088.
Genomic context (GRCh38, chr6:112,120,297, plus strand): 5'-AATGGTAGCTATTTGCTGGTAATGCTGTTCTCTGCCTTCAACTTACATCATGCCACAGGC[C>A]ATCATTGTATTTCTCCTGGCTTCTAATCTTCAGTTTTTTGTGACCAACATTAAACATGTA-3'
Protein context (NP_001098676.2, residues 1541-1561): KIRSQEKYND[Gly1551Cys]LWHDVIFIRE

ClinVar aggregate classification (germline): Uncertain significance (1 of 4 stars; one submission).

Conditions:
Dilated cardiomyopathy 1JJ (CMD1JJ). Identifiers: Orphanet 154, MedGen C3808935, MONDO:0014095, OMIM 615235.

Submission:

Labcorp Genetics (formerly Invitae), Labcorp
Classification: Uncertain significance for Dilated cardiomyopathy 1JJ. Last evaluated: 2023-10-11. Review status: criteria provided, single submitter. Criteria: Invitae Variant Classification Sherloc (09022015). Collection method: clinical testing. Allele origin: germline.
Comment: This sequence change replaces glycine, which is neutral and non-polar, with cysteine, which is neutral and slightly polar, at codon 1544 of the LAMA4 protein (p.Gly1544Cys). This variant is not present in population databases (gnomAD no frequency). This variant has not been reported in the literature in individuals affected with LAMA4-related conditions. An algorithm developed to predict the effect of missense changes on protein structure and function (PolyPhen-2) suggests that this variant is likely to be disruptive. In summary, the available evidence is currently insufficient to determine the role of this variant in disease. Therefore, it has been classified as a Variant of Uncertain Significance.